The following is an entry in ClinVar:

ClinVar aggregate classification (germline): Uncertain significance (1 of 4 stars; one submission).

Conditions:
Cardiovascular phenotype. Identifiers: MedGen CN230736.

Submission:

Ambry Genetics
Classification: Uncertain significance for Cardiovascular phenotype. Last evaluated: 2022-04-01. Review status: criteria provided, single submitter. Criteria: Ambry Variant Classification Scheme 2023. Collection method: clinical testing. Allele origin: germline.
Comment: The p.C736Y variant (also known as c.2207G>A), located in coding exon 2 of the TNXB gene, results from a G to A substitution at nucleotide position 2207. The cysteine at codon 736 is replaced by tyrosine, an amino acid with highly dissimilar properties. This amino acid position is conserved. In addition, the in silico prediction for this alteration is inconclusive. Since supporting evidence is limited at this time, the clinical significance of this alteration remains unclear.

NM_001365276.2(TNXB):c.2207G>A (p.Cys736Tyr)

Gene: TNXB (tenascin XB; minus strand). Cytogenetic location: 6p21.33.
Variant type: single nucleotide variant.
Coding change: c.2207G>A on transcript NM_001365276.2 (MANE Select); coding-DNA position 2207, G replaced by A.
Protein change: p.Cys736Tyr; replaces cysteine 736 with tyrosine.
Molecular consequence: missense variant.
Genome position (GRCh38, 1-based): chr6:32,095,646, C>T on the plus strand (G>A on the coding strand, the complement: TNXB is on the minus strand). VCF-style: chr6-32095646-C-T. GRCh37 (hg19) VCF-style: chr6-32063423-C-T.
Other names: c.2207G>A, p.Cys736Tyr (NM_019105.8); short protein forms C736Y.
Identifiers: ClinVar variation 1787703 (VCV001787703.2), dbSNP rs1264056108, ClinGen allele CA363471089.